The following is an entry in ClinVar:

ClinVar aggregate classification (germline): Likely benign (1 of 4 stars; one submission).

Submission:

CeGaT Center for Human Genetics Tuebingen
Classification: Likely benign. Last evaluated: 2024-12-01. Review status: criteria provided, single submitter. Criteria: CeGaT Center For Human Genetics Tuebingen Variant Classification Criteria Version 2. Collection method: clinical testing. Allele origin: germline. Affected: yes. Observed: 1 variant allele.
Comment: PARG: BP4, BS2

Single allele

Gene: PARG (poly(ADP-ribose) glycohydrolase; minus strand). Cytogenetic location: 10q11.23.
Variant type: single nucleotide variant.
Identifiers: ClinVar variation 3770519 (VCV003770519.10).